The following is an entry in ClinVar:

NM_001083116.3(PRF1):c.221C>T (p.Thr74Ile)

Gene: PRF1 (perforin 1; minus strand). Cytogenetic location: 10q22.1.
Variant type: single nucleotide variant.
Coding change: c.221C>T on transcript NM_001083116.3 (MANE Select); coding-DNA position 221, C replaced by T.
Protein change: p.Thr74Ile; replaces threonine 74 with isoleucine.
Molecular consequence: missense variant.
Genome position (GRCh38, 1-based): chr10:70,600,682, G>A on the plus strand (C>T on the coding strand, the complement: PRF1 is on the minus strand). VCF-style: chr10-70600682-G-A. GRCh37 (hg19) VCF-style: chr10-72360438-G-A.
Other names: c.221C>T, p.Thr74Ile (NM_005041.6); short protein forms T74I.
Identifiers: ClinVar variation 1025103 (VCV001025103.6), dbSNP rs537165894, ClinGen allele CA5539094.

ClinVar aggregate classification (germline): Uncertain significance (1 of 4 stars; one submission).

Conditions:
Familial hemophagocytic lymphohistiocytosis 2 (FHL2). Also called: PRF1-Related Familial Hemophagocytic Lymphohistiocytosis (PRF1-fHLH). Identifiers: Orphanet 540, MedGen C1863727, MONDO:0011337, OMIM 603553.

Allele frequency attached by ClinVar (database versions not stated): TOPMed below 0.00001; ExAC 0.00001; gnomAD 0.00001; gnomAD exomes 0.00001; 1000 Genomes Project 0.00020; 1000 Genomes Project 30x 0.00031.
gnomAD v4.1: 3 of 1,613,926 alleles (0.00019%); highest among the groups gnomAD compares: Admixed American, 0.0033%; no homozygotes.

Submission:

Labcorp Genetics (formerly Invitae), Labcorp
Classification: Uncertain significance for Familial hemophagocytic lymphohistiocytosis 2. Last evaluated: 2021-08-31. Review status: criteria provided, single submitter. Criteria: Invitae Variant Classification Sherloc (09022015). Collection method: clinical testing. Allele origin: germline.
Comment: This sequence change replaces threonine with isoleucine at codon 74 of the PRF1 protein (p.Thr74Ile). The threonine residue is moderately conserved and there is a moderate physicochemical difference between threonine and isoleucine. This variant is present in population databases (rs537165894, ExAC 0.009%). This variant has not been reported in the literature in individuals affected with PRF1-related conditions. Algorithms developed to predict the effect of missense changes on protein structure and function are either unavailable or do not agree on the potential impact of this missense change (SIFT: "Tolerated"; PolyPhen-2: "Possibly Damaging"; Align-GVGD: "Class C0"). In summary, the available evidence is currently insufficient to determine the role of this variant in disease. Therefore, it has been classified as a Variant of Uncertain Significance.